The following is an entry in ClinVar:

NM_001267550.2(TTN):c.40170T>A (p.Tyr13390Ter)

Gene: TTN (titin; minus strand). Cytogenetic location: 2q31.2.
Variant type: single nucleotide variant.
Coding change: c.40170T>A on transcript NM_001267550.2 (MANE Select); coding-DNA position 40170, T replaced by A.
Protein change: p.Tyr13390Ter; replaces tyrosine 13390 with a stop codon.
Molecular consequence: nonsense. On other transcripts: intron variant (5).
Genome position (GRCh38, 1-based): chr2:178,647,116, A>T on the plus strand (T>A on the coding strand, the complement: TTN is on the minus strand). VCF-style: chr2-178647116-A-T. GRCh37 (hg19) VCF-style: chr2-179511843-A-T.
Other names: c.13283-4799T>A (NM_003319.4); c.13859-4799T>A (NM_133437.4); c.13658-4799T>A (NM_133432.3); c.32594-1086T>A (NM_133378.4); c.35375-1086T>A (NM_001256850.1); short protein forms Y13390*.
Identifiers: ClinVar variation 4788217 (VCV004788217.1).

ClinVar aggregate classification (germline): Likely pathogenic (1 of 4 stars; one submission).

Conditions:
Autosomal recessive limb-girdle muscular dystrophy type 2J (LGMDR10). Also called: Limb-girdle muscular dystrophy, type 2J; MUSCULAR DYSTROPHY, LIMB-GIRDLE, AUTOSOMAL RECESSIVE 10. Identifiers: Orphanet 140922, MedGen C1837342, MONDO:0012127, OMIM 608807.
Dilated cardiomyopathy 1G (CMD1G). Identifiers: Orphanet 154, MedGen C1858763, MONDO:0011400, OMIM 604145.

gnomAD v4.1: 2 of 1,437,696 alleles (0.00014%); highest among the groups gnomAD compares: East Asian, 0.0026%; no homozygotes.

Submission:

Labcorp Genetics (formerly Invitae), Labcorp
Classification: Likely pathogenic for Dilated cardiomyopathy 1G; Autosomal recessive limb-girdle muscular dystrophy type 2J. Last evaluated: 2025-11-22. Review status: criteria provided, single submitter. Criteria: Invitae Variant Classification Sherloc (09022015). Collection method: clinical testing. Allele origin: germline.
Comment: This sequence change creates a premature translational stop signal (p.Tyr13390*) in the TTN gene. While this is not anticipated to result in nonsense mediated decay, it is expected to create a truncated TTN protein. This variant is not present in population databases (gnomAD no frequency). This variant has not been reported in the literature in individuals affected with TTN-related conditions. Algorithms developed to predict the effect of sequence changes on RNA splicing suggest that this variant may disrupt the consensus splice site. This variant is located in the I band of TTN (PMID: 25589632). Truncating variants in this region have been reported in individuals affected with autosomal recessive centronuclear myopathy (PMID: 23975875, internal data). Truncating variants in this region have also been identified in individuals affected with autosomal dominant dilated cardiomyopathy and/or cardio-related conditions (PMID: 27869827, 32964742, internal data). In summary, the currently available evidence indicates that the variant is pathogenic, but additional data are needed to prove that conclusively. Therefore, this variant has been classified as Likely Pathogenic.

Literature cited by the submitters: PubMed 25589632; PubMed 23975875; PubMed 27869827; PubMed 32964742.